The following is an entry in ClinVar:

NM_032802.4(SPPL2A):c.1372A>G (p.Met458Val)

Gene: SPPL2A (signal peptide peptidase like 2A; minus strand). Cytogenetic location: 15q21.2.
Variant type: single nucleotide variant.
Coding change: c.1372A>G on transcript NM_032802.4 (MANE Select); coding-DNA position 1372, A replaced by G.
Protein change: p.Met458Val; replaces methionine 458 with valine.
Molecular consequence: missense variant.
Genome position (GRCh38, 1-based): chr15:50,720,056, T>C on the plus strand (A>G on the coding strand, the complement: SPPL2A is on the minus strand). VCF-style: chr15-50720056-T-C. GRCh37 (hg19) VCF-style: chr15-51012253-T-C.
Other names: short protein forms M458V.
Identifiers: ClinVar variation 3054063 (VCV003054063.2), dbSNP rs2542797597, ClinGen allele CA392407494.

ClinVar aggregate classification (germline): Uncertain significance (0 of 4 stars; one submission).

Conditions:
SPPL2A-related disorder. Also called: SPPL2A-related condition.

Submission:

PreventionGenetics, part of Exact Sciences
Classification: Uncertain significance for SPPL2A-related condition. Last evaluated: 2023-10-30. Review status: no assertion criteria provided. Collection method: clinical testing. Allele origin: germline.
Comment: The SPPL2A c.1372A>G variant is predicted to result in the amino acid substitution p.Met458Val. To our knowledge, this variant has not been reported in the literature or in a large population database, indicating this variant is rare. At this time, the clinical significance of this variant is uncertain due to the absence of conclusive functional and genetic evidence.